The following is an entry in ClinVar:

ClinVar aggregate classification (germline): Benign/Likely benign. Review status: criteria provided, multiple submitters, no conflicts (2 of 4 stars). 6 submissions from 6 submitters: Benign (2); Likely benign (4). Last evaluated 2025-12-05.

Conditions:
Seizures, benign familial infantile, 3 (BFIS3). Also called: CONVULSIONS, BENIGN FAMILIAL INFANTILE, 3; Familial neonatal seizures. Identifiers: Orphanet 140927, Orphanet 306, MedGen C1843140, MONDO:0011904, OMIM 607745.
Developmental and epileptic encephalopathy, 11 (DEE11). Also called: Early infantile epileptic encephalopathy 11. Identifiers: Orphanet 1934, MedGen C3150987, MONDO:0013388, OMIM 613721.
Inborn genetic diseases. Identifiers: MedGen C0950123, MeSH D030342.

Allele frequency attached by ClinVar (database versions not stated): TOPMed below 0.00001; gnomAD 0.00001 and 0.00002; gnomAD exomes 0.00005 and 0.00012; ExAC 0.00008.
gnomAD v4.1: 167 of 1,611,566 alleles (0.01%); highest among the groups gnomAD compares: East Asian, 0.36%; 1 homozygote.

Submissions (6):

Labcorp Genetics (formerly Invitae), Labcorp
Classification: Likely benign for Seizures, benign familial infantile, 3; Developmental and epileptic encephalopathy, 11. Last evaluated: 2025-12-05. Review status: criteria provided, single submitter. Criteria: Invitae Variant Classification Sherloc (09022015). Collection method: clinical testing. Allele origin: germline.

Genetic Services Laboratory, University of Chicago
Classification: Likely benign. Last evaluated: 2020-05-11. Review status: criteria provided, single submitter. Criteria: ACMG Guidelines, 2015. Collection method: clinical testing. Allele origin: germline. Affected: no.

Mendelics
Classification: Benign for Seizures, benign familial infantile, 3. Last evaluated: 2019-05-28. Review status: criteria provided, single submitter. Criteria: Mendelics Assertion Criteria 2017. Collection method: clinical testing. Allele origin: unknown.

GeneDx
Classification: Likely benign. Last evaluated: 2018-07-26. Review status: criteria provided, single submitter. Criteria: GeneDx Variant Classification Process June 2021. Collection method: clinical testing. Allele origin: germline. Affected: yes.
Comment: This variant is associated with the following publications: (PMID: 25156649, 23195492, 25525159, 24579881, 16122630, 19786696, 19783390, 20236112, 29924869, 32613771)

Ambry Genetics
Classification: Likely benign for Inborn genetic diseases. Last evaluated: 2018-03-22. Review status: criteria provided, single submitter. Criteria: Ambry Variant Classification Scheme 2023. Collection method: clinical testing. Allele origin: germline.

Illumina Laboratory Services, Illumina
Classification: Benign for Seizures, benign familial infantile, 3. Last evaluated: 2017-04-28. Review status: criteria provided, single submitter. Criteria: ICSL Variant Classification Criteria 13 December 2019. Collection method: clinical testing. Allele origin: germline.
Comment: This variant was observed as part of a predisposition screen in an ostensibly healthy population. A literature search was performed for the gene, cDNA change, and amino acid change (where applicable). No publications were found based on this search. Allele frequency data from public databases was too high to be consistent with this variant causing disease. Therefore, this variant is classified as benign.

Literature cited by the submitters: PubMed 16122630 (cited by Ambry Genetics); PubMed 19783390 (cited by Ambry Genetics); PubMed 19786696 (cited by Ambry Genetics); PubMed 23195492 (cited by Ambry Genetics); PubMed 25156649 (cited by Ambry Genetics).

NM_001040142.2(SCN2A):c.982T>G (p.Phe328Val)

Gene: SCN2A (sodium voltage-gated channel alpha subunit 2; plus strand). Cytogenetic location: 2q24.3.
Variant type: single nucleotide variant.
Coding change: c.982T>G on transcript NM_001040142.2 (MANE Select); coding-DNA position 982, T replaced by G.
Protein change: p.Phe328Val; replaces phenylalanine 328 with valine.
Molecular consequence: missense variant.
Genome position (GRCh38, 1-based): chr2:165,312,036, T>G. VCF-style: chr2-165312036-T-G. GRCh37 (hg19) VCF-style: chr2-166168546-T-G.
Other names: p.F328V:TTT>GTT; c.982T>G, p.Phe328Val (NM_001040143.2, NM_001371246.1, NM_001371247.1 and 1 more transcripts); short protein forms F328V.
Identifiers: ClinVar variation 206961 (VCV000206961.21), dbSNP rs781204054, ClinGen allele CA317859.
Genomic context (GRCh38, chr2:165,312,036, plus strand): 5'-TGTTTTACAGGATTTTAATGATTCTTTCTATTCCTTTCTCTTTAAATAGGTCACTTTTAT[T>G]TTTTAGAGGGGCAAAATGATGCTCTGCTTTGTGGCAACAGCTCAGATGCAGGGTAAGTGA-3'
Protein context (NP_001035232.1, residues 318-338): EYIEDKSHFY[Phe328Val]LEGQNDALLC